The following is an entry in ClinVar:

NM_000260.4(MYO7A):c.2219_2228del (p.Arg740fs)

Gene: MYO7A (myosin VIIA; plus strand). Cytogenetic location: 11q13.5.
Variant type: Deletion.
Coding change: c.2219_2228del on transcript NM_000260.4 (MANE Select); coding-DNA positions 2219 to 2228, 10 bases deleted (GGGACAAAGC; older notation c.2219_2228delGGGACAAAGC).
Protein change: p.Arg740fs; shifts the reading frame from arginine 740.
Molecular consequence: frameshift variant.
Genome position (GRCh38, 1-based): chr11:77,177,580-77,177,589, GGGACAAAGC deleted; deleting any 10 consecutive bases within chr11:77,177,577-77,177,589 gives the same sequence; the c. name uses the placement nearest the transcript's 3' end. VCF-style (leftmost placement, unchanged base first): chr11-77177576-GAGCGGGACAA-G. GRCh37 (hg19) VCF-style: chr11-76888622-GAGCGGGACAA-G.
Other names: c.2219_2228del, p.Arg740fs (NM_001127180.2); c.2186_2195del, p.Arg729fs (NM_001369365.1); short protein forms R729fs, R740fs.
Identifiers: ClinVar variation 3601460 (VCV003601460.1).
Genomic context (GRCh38, chr11:77,177,576, plus strand): 5'-TGTGGGGCGCTGCTCAGGAGCTCTGCCTCCTAGGACCACCATGACATGCTGCTGGAAGTG[GAGCGGGACAA>G]AGCCATCACCGACAGAGTCATCCTCCTTCAGAAAGTCATCCGGGGATTCAAAGACAGGTG-3'

ClinVar aggregate classification (germline): Likely pathogenic (1 of 4 stars; one submission).

Conditions:
Autosomal recessive nonsyndromic hearing loss 2. Also called: NEUROSENSORY NONSYNDROMIC RECESSIVE DEAFNESS 2; DEAFNESS, AUTOSOMAL RECESSIVE 2. Identifiers: Orphanet 90636, MedGen C1838701, MONDO:0010807, OMIM 600060.

Submission:

Institute of Rare Diseases, West China Hospital, Sichuan University
Classification: Likely pathogenic for Autosomal recessive nonsyndromic hearing loss 2. Last evaluated: 2025-01-09. Review status: criteria provided, single submitter. Criteria: ClinGen HL ACMG Specifications v1. Collection method: research. Allele origin: germline. Affected: yes.
Comment: PVS1;PM2_Supporting